The following is an entry in ClinVar:

ClinVar aggregate classification (germline): Uncertain significance. Review status: criteria provided, multiple submitters, no conflicts (2 of 4 stars). 2 submissions from 2 submitters: Uncertain significance (2). Last evaluated 2022-01-10.

Conditions:
Niemann-Pick disease, type C1. Also called: NIEMANN-PICK DISEASE, VARIANT TYPE C1; NEUROVISCERAL STORAGE DISEASE WITH VERTICAL SUPRANUCLEAR OPHTHALMOPLEGIA; NIEMANN-PICK DISEASE WITH CHOLESTEROL ESTERIFICATION BLOCK; NIEMANN-PICK DISEASE WITHOUT SPHINGOMYELINASE DEFICIENCY; NIEMANN-PICK DISEASE, CHRONIC NEURONOPATHIC FORM. Identifiers: Orphanet 646, MedGen C3179455, MONDO:0009757, OMIM 257220.

Allele frequency attached by ClinVar (database versions not stated): ExAC 0.00001; gnomAD 0.00002; TOPMed 0.00002.
gnomAD v4.1: 27 of 1,613,910 alleles (0.0017%); highest among the groups gnomAD compares: Admixed American, 0.005%; no homozygotes.

Submissions (2):

University of Washington Department of Laboratory Medicine, University of Washington
Classification: Uncertain significance for Niemann-Pick disease, type C1. Last evaluated: 2022-01-10. Review status: criteria provided, single submitter. Criteria: ACMG Guidelines, 2015. Collection method: clinical testing. Allele origin: unknown. Affected: yes.
Comment: The p.Val977Ile variant in the NPC1 gene has not been previously reported in association with disease. This variant has been identified in 5/251320 chromosomes by the Genome Aggregation Database. Although this variant has been seen in the general population, its frequency is low enough to be consistent with a recessive carrier frequency. In silico tools do not consistently predict if the p.Val977Ile variant impacts protein function; however, these predictions have not been tested directly. Using ACMG guidelines, this variant was classified as a variant of uncertain significance (ACMG evidence codes used: PM2_supporting).

Labcorp Genetics (formerly Invitae), Labcorp
Classification: Uncertain significance for Niemann-Pick disease, type C1. Last evaluated: 2021-11-24. Review status: criteria provided, single submitter. Criteria: Invitae Variant Classification Sherloc (09022015). Collection method: clinical testing. Allele origin: germline.
Comment: This sequence change replaces valine, which is neutral and non-polar, with isoleucine, which is neutral and non-polar, at codon 977 of the NPC1 protein (p.Val977Ile). This variant is present in population databases (rs781154071, gnomAD 0.006%). This variant has not been reported in the literature in individuals affected with NPC1-related conditions. Advanced modeling of protein sequence and biophysical properties (such as structural, functional, and spatial information, amino acid conservation, physicochemical variation, residue mobility, and thermodynamic stability) performed at Invitae indicates that this missense variant is not expected to disrupt NPC1 protein function. In summary, the available evidence is currently insufficient to determine the role of this variant in disease. Therefore, it has been classified as a Variant of Uncertain Significance.

NM_000271.5(NPC1):c.2929G>A (p.Val977Ile)

Gene: NPC1 (NPC intracellular cholesterol transporter 1; minus strand). Cytogenetic location: 18q11.2.
Variant type: single nucleotide variant.
Coding change: c.2929G>A on transcript NM_000271.5 (MANE Select); coding-DNA position 2929, G replaced by A.
Protein change: p.Val977Ile; replaces valine 977 with isoleucine.
Molecular consequence: missense variant.
Genome position (GRCh38, 1-based): chr18:23,538,654, C>T on the plus strand (G>A on the coding strand, the complement: NPC1 is on the minus strand). VCF-style: chr18-23538654-C-T. GRCh37 (hg19) VCF-style: chr18-21118618-C-T.
Other names: c.2929G>A (NM_000271.4); short protein forms V977I.
Identifiers: ClinVar variation 1926760 (VCV001926760.3), dbSNP rs781154071, ClinGen allele CA8912908.
Genomic context (GRCh38, chr18:23,538,654, plus strand): 5'-TCATGAAGTCTCCCCCCTGAGGCCTCTGTTTGCCTTCCGGAGTCAGAGGCCTGCAGCGAA[C>T]GCAGGCAGGGTCAACCACTGGCGGAGACATGCAGGGAGGACTGTTAGAAGAATAGGTCTC-3'
Protein context (NP_000262.2, residues 967-987): CNASVVDPAC[Val977Ile]RCRPLTPEGK